The following is an entry in ClinVar:

NM_022124.6(CDH23):c.773T>C (p.Ile258Thr)

Gene: CDH23 (cadherin related 23; plus strand). Cytogenetic location: 10q22.1.
Variant type: single nucleotide variant.
Coding change: c.773T>C on transcript NM_022124.6 (MANE Select); coding-DNA position 773, T replaced by C.
Protein change: p.Ile258Thr; replaces isoleucine 258 with threonine.
Molecular consequence: missense variant.
Genome position (GRCh38, 1-based): chr10:71,577,933, T>C. VCF-style: chr10-71577933-T-C. GRCh37 (hg19) VCF-style: chr10-73337690-T-C.
Other names: c.773T>C, p.Ile258Thr (NM_001171930.2, NM_001171931.2, NM_001171932.2 and 1 more transcripts); short protein forms I258T.
Identifiers: ClinVar variation 1347149 (VCV001347149.5), dbSNP rs1170656610, ClinGen allele CA377115745.

ClinVar aggregate classification (germline): Uncertain significance (1 of 4 stars; one submission).

Allele frequency attached by ClinVar (database versions not stated): gnomAD 0.00001; TOPMed 0.00002; gnomAD exomes below 0.00001.
gnomAD v4.1: 5 of 1,602,278 alleles (0.00031%); highest among the groups gnomAD compares: African/African-American, 0.0054%; no homozygotes.

Submission:

Labcorp Genetics (formerly Invitae), Labcorp
Classification: Uncertain significance. Last evaluated: 2021-08-27. Review status: criteria provided, single submitter. Criteria: Invitae Variant Classification Sherloc (09022015). Collection method: clinical testing. Allele origin: germline.
Comment: This sequence change replaces isoleucine with threonine at codon 258 of the CDH23 protein (p.Ile258Thr). The isoleucine residue is highly conserved and there is a moderate physicochemical difference between isoleucine and threonine. This variant is not present in population databases (ExAC no frequency). This variant has not been reported in the literature in individuals affected with CDH23-related conditions. Algorithms developed to predict the effect of missense changes on protein structure and function are either unavailable or do not agree on the potential impact of this missense change (SIFT: "Deleterious"; PolyPhen-2: "Not Available"; Align-GVGD: "Class C0"). In summary, the available evidence is currently insufficient to determine the role of this variant in disease. Therefore, it has been classified as a Variant of Uncertain Significance.